The following is an entry in ClinVar:

NM_004738.5(VAPB):c.305T>C (p.Met102Thr)

Gene: VAPB (VAMP associated protein B and C; plus strand). Cytogenetic location: 20q13.32.
Variant type: single nucleotide variant.
Coding change: c.305T>C on transcript NM_004738.5 (MANE Select); coding-DNA position 305, T replaced by C.
Protein change: p.Met102Thr; replaces methionine 102 with threonine.
Molecular consequence: missense variant. On other transcripts: intron variant (1).
Genome position (GRCh38, 1-based): chr20:58,434,695, T>C. VCF-style: chr20-58434695-T-C. GRCh37 (hg19) VCF-style: chr20-57009751-T-C.
Other names: c.212-9382T>C (NM_001195677.2); short protein forms M102T.
Identifiers: ClinVar variation 2037620 (VCV002037620.4), dbSNP rs754277338, ClinGen allele CA9924214.

ClinVar aggregate classification (germline): Uncertain significance (1 of 4 stars; one submission).

Conditions:
Amyotrophic lateral sclerosis type 8 (ALS8). Identifiers: Orphanet 803, MedGen C1837728, MONDO:0012077, OMIM 608627.
Adult-onset proximal spinal muscular atrophy, autosomal dominant. Also called: FINKEL LATE-ADULT TYPE SMA; Spinal muscular atrophy, late-onset, finkel type. Identifiers: Orphanet 209335, MedGen C1854058, MONDO:0008453, OMIM 182980.

Allele frequency attached by ClinVar (database versions not stated): gnomAD exomes below 0.00001; TOPMed below 0.00001; ExAC 0.00001.

Submission:

Labcorp Genetics (formerly Invitae), Labcorp
Classification: Uncertain significance for Adult-onset proximal spinal muscular atrophy, autosomal dominant; Amyotrophic lateral sclerosis type 8. Last evaluated: 2022-06-09. Review status: criteria provided, single submitter. Criteria: Invitae Variant Classification Sherloc (09022015). Collection method: clinical testing. Allele origin: germline.
Comment: In summary, the available evidence is currently insufficient to determine the role of this variant in disease. Therefore, it has been classified as a Variant of Uncertain Significance. Algorithms developed to predict the effect of missense changes on protein structure and function are either unavailable or do not agree on the potential impact of this missense change (SIFT: "Not Available"; PolyPhen-2: "Benign"; Align-GVGD: "Not Available"). This variant has not been reported in the literature in individuals affected with VAPB-related conditions. This variant is not present in population databases (gnomAD no frequency). This sequence change replaces methionine, which is neutral and non-polar, with threonine, which is neutral and polar, at codon 102 of the VAPB protein (p.Met102Thr).